The following is an entry in ClinVar:

ClinVar aggregate classification (germline): Uncertain significance. Review status: criteria provided, multiple submitters, no conflicts (2 of 4 stars). 3 submissions from 3 submitters: Uncertain significance (3). Last evaluated 2024-10-28.

Allele frequency attached by ClinVar (database versions not stated): gnomAD 0.00002 and 0.00003; TOPMed 0.00003; gnomAD exomes 0.00013; ExAC 0.00026.
gnomAD v4.1: 54 of 1,598,614 alleles (0.0034%); highest among the groups gnomAD compares: Admixed American, 0.032%; no homozygotes.

Submissions (3):

Labcorp Genetics (formerly Invitae), Labcorp
Classification: Uncertain significance. Last evaluated: 2024-10-28. Review status: criteria provided, single submitter. Criteria: Invitae Variant Classification Sherloc (09022015). Collection method: clinical testing. Allele origin: germline.
Comment: This sequence change replaces valine, which is neutral and non-polar, with methionine, which is neutral and non-polar, at codon 1193 of the COL18A1 protein (p.Val1193Met). This variant is present in population databases (rs755388454, gnomAD 0.06%). This variant has not been reported in the literature in individuals affected with COL18A1-related conditions. ClinVar contains an entry for this variant (Variation ID: 1403480). Experimental studies and prediction algorithms are not available or were not evaluated, and the functional significance of this variant is currently unknown. In summary, the available evidence is currently insufficient to determine the role of this variant in disease. Therefore, it has been classified as a Variant of Uncertain Significance.

Blueprint Genetics
Classification: Uncertain significance. Last evaluated: 2023-12-22. Review status: criteria provided, single submitter. Criteria: ACMG Guidelines, 2015. Collection method: clinical testing. Allele origin: germline.

Breakthrough Genomics
Classification: Uncertain significance. Review status: criteria provided, single submitter. Criteria: ACMG Guidelines, 2015. Collection method: not provided. Allele origin: germline. Inheritance: Autosomal dominant inheritance. Affected: yes.

NM_001379500.1(COL18A1):c.3586G>A (p.Val1196Met)

Genes: COL18A1 (collagen type XVIII alpha 1 chain; plus strand), SLC19A1 (solute carrier family 19 member 1; minus strand). Cytogenetic location: 21q22.3.
Variant type: single nucleotide variant.
Coding change: c.3586G>A on transcript NM_001379500.1 (MANE Select); coding-DNA position 3586, G replaced by A.
Protein change: p.Val1196Met; replaces valine 1196 with methionine.
Molecular consequence: missense variant.
Genome position (GRCh38, 1-based): chr21:45,510,154, G>A. VCF-style: chr21-45510154-G-A. GRCh37 (hg19) VCF-style: chr21-46930068-G-A.
Other names: c.4117G>A, p.Val1373Met (NM_030582.4); c.4822G>A, p.Val1608Met (NM_130444.3); short protein forms V1196M, V1373M, V1608M.
Identifiers: ClinVar variation 1403480 (VCV001403480.6), dbSNP rs755388454, ClinGen allele CA10067966.